The following is an entry in ClinVar:

NM_000090.4(COL3A1):c.4165G>T (p.Ala1389Ser)

Gene: COL3A1 (collagen type III alpha 1 chain; plus strand). Cytogenetic location: 2q32.2.
Variant type: single nucleotide variant.
Coding change: c.4165G>T on transcript NM_000090.4 (MANE Select); coding-DNA position 4165, G replaced by T.
Protein change: p.Ala1389Ser; replaces alanine 1389 with serine.
Molecular consequence: missense variant.
Genome position (GRCh38, 1-based): chr2:189,010,801, G>T. VCF-style: chr2-189010801-G-T. GRCh37 (hg19) VCF-style: chr2-189875527-G-T.
Other names: short protein forms A1389S.
Identifiers: ClinVar variation 519613 (VCV000519613.19), dbSNP rs202022204, ClinGen allele CA076483.

ClinVar aggregate classification (germline): Uncertain significance. Review status: criteria provided, multiple submitters, no conflicts (2 of 4 stars). 4 submissions from 4 submitters: Uncertain significance (4). Last evaluated 2025-12-19.

Conditions:
Familial thoracic aortic aneurysm and aortic dissection (TAAD). Also called: Thoracic aortic aneurysms and dissections. Identifiers: Orphanet 91387, MedGen C4707243, MONDO:0019625.
Ehlers-Danlos syndrome, type 4 (EDSVASC). Also called: Ehlers-Danlos syndrome vascular type; Ehlers Danlos syndrome, ecchymotic type; Ehlers Danlos syndrome, arterial type; Ehlers Danlos syndrome, Sack-Barabas type; Ehlers-Danlos Syndrome Type IV. Identifiers: Orphanet 286, MedGen C0268338, MONDO:0017314, OMIM 130050.

Allele frequency attached by ClinVar (database versions not stated): ExAC 0.00001; gnomAD 0.00001; gnomAD exomes 0.00001 and 0.00003; TOPMed 0.00001.
gnomAD v4.1: 51 of 1,614,018 alleles (0.0032%); highest among the groups gnomAD compares: Non-Finnish European, 0.0041%; no homozygotes.

Submissions (4):

Labcorp Genetics (formerly Invitae), Labcorp
Classification: Uncertain significance for Ehlers-Danlos syndrome, type 4. Last evaluated: 2025-12-19. Review status: criteria provided, single submitter. Criteria: Invitae Variant Classification Sherloc (09022015). Collection method: clinical testing. Allele origin: germline.
Comment: This sequence change replaces alanine, which is neutral and non-polar, with serine, which is neutral and polar, at codon 1389 of the COL3A1 protein (p.Ala1389Ser). This variant is present in population databases (rs202022204, gnomAD 0.004%). This variant has not been reported in the literature in individuals affected with COL3A1-related conditions. ClinVar contains an entry for this variant (Variation ID: 519613). Invitae Evidence Modeling of protein sequence and biophysical properties (such as structural, functional, and spatial information, amino acid conservation, physicochemical variation, residue mobility, and thermodynamic stability) indicates that this missense variant is not expected to disrupt COL3A1 protein function with a negative predictive value of 95%. In summary, the available evidence is currently insufficient to determine the role of this variant in disease. Therefore, it has been classified as a Variant of Uncertain Significance.

Ambry Genetics
Classification: Uncertain significance for Familial thoracic aortic aneurysm and aortic dissection. Last evaluated: 2025-01-08. Review status: criteria provided, single submitter. Criteria: Ambry Variant Classification Scheme 2023. Collection method: clinical testing. Allele origin: germline.
Comment: The p.A1389S variant (also known as c.4165G>T), located in coding exon 50 of the COL3A1 gene, results from a G to T substitution at nucleotide position 4165. The alanine at codon 1389 is replaced by serine, an amino acid with similar properties. This amino acid position is well conserved in available vertebrate species. In addition, this alteration is predicted to be tolerated by in silico analysis. Based on the available evidence, the clinical significance of this variant remains unclear.

Color Diagnostics, LLC DBA Color Health
Classification: Uncertain significance for Familial thoracic aortic aneurysm and aortic dissection. Last evaluated: 2024-03-06. Review status: criteria provided, single submitter. Criteria: ACMG Guidelines, 2015. Collection method: clinical testing. Allele origin: germline.
Comment: This missense variant replaces alanine with serine at codon 1389 of the COL3A1 protein. Computational prediction suggests that this variant may not impact protein structure and function (internally defined REVEL score threshold <= 0.5, PMID: 27666373). To our knowledge, functional studies have not been reported for this variant. This variant has not been reported in individuals affected with COL3A1-related disorders in the literature. This variant has been identified in 3/282702 chromosomes in the general population by the Genome Aggregation Database (gnomAD). The available evidence is insufficient to determine the role of this variant in disease conclusively. Therefore, this variant is classified as a Variant of Uncertain Significance.

All of Us Research Program, National Institutes of Health
Classification: Uncertain significance for Ehlers-Danlos syndrome, type 4. Last evaluated: 2023-12-13. Review status: criteria provided, single submitter. Criteria: ACMG Guidelines, 2015. Collection method: clinical testing. Allele origin: germline. Inheritance: Autosomal dominant inheritance. Observed: 8 variant alleles, 8 heterozygotes.
Comment: This missense variant replaces alanine with serine at codon 1389 of the COL3A1 protein. Computational prediction tool suggests that this variant may not impact protein structure and function (internally defined REVEL score threshold <=0.5, PMID: 27666373). To our knowledge, functional studies have not been performed for this variant. This variant has not been reported in individuals affected with cardiovascular disorders in the literature. This variant has been identified in 3/282702 chromosomes in the general population by the Genome Aggregation Database (gnomAD). The available evidence is insufficient to determine the role of this variant in disease conclusively. Therefore, this variant is classified as a Variant of Uncertain Significance.

This study involves interpretation of variants in research participants for the purpose of population health screening. Participant phenotype was not available at the time of variant classification. Additional details can be found in publication PMID: 35346344, PMCID: PMC8962531